The following is an entry in ClinVar:

ClinVar aggregate classification (germline): Pathogenic (1 of 4 stars; one submission).

Conditions:
Retinoblastoma (RB1). Also called: RETINOBLASTOMA, SOMATIC. Identifiers: Orphanet 790, MedGen C0035335, MeSH D012175, MONDO:0008380, OMIM 180200, HP:0009919. Disease mechanism: loss of function. Inheritance: Both sporadic and heritable forms are tested..

Submission:

Genetic Diagnostic Laboratory, University of Pennsylvania School of Medicine
Classification: Pathogenic for Retinoblastoma. Last evaluated: 2024-05-20. Review status: criteria provided, single submitter. Criteria: ACMG Guidelines, 2015. Collection method: clinical testing. Allele origin: germline. Affected: yes. Observed: 1 variant allele.
Comment: Case and Pedigree Information: BILATERAL CASES:1, UNILATERAL CASES:0, TOTAL CASES:1, PEDIGREES:1. ACMG Codes Applied:PVS1, PM2

NM_000321.3(RB1):c.1439del (p.Asn480fs)

Gene: RB1 (RB transcriptional corepressor 1; plus strand). Cytogenetic location: 13q14.2.
Variant type: Deletion.
Coding change: c.1439del on transcript NM_000321.3 (MANE Select); coding-DNA position 1439, one base deleted (A; older notation c.1439delA).
Protein change: p.Asn480fs; shifts the reading frame from asparagine 480.
Molecular consequence: frameshift variant.
Genome position (GRCh38, 1-based): chr13:48,380,182, A deleted; the last of 2 consecutive A bases (chr13:48,380,181-48,380,182); deleting either gives the same sequence. VCF-style (leftmost placement, unchanged base first): chr13-48380180-CA-C. GRCh37 (hg19) VCF-style: chr13-48954316-CA-C.
Other names: c.1439del, p.Asn480fs (NM_001407165.1, NM_001407166.1); short protein forms N480fs.
Identifiers: ClinVar variation 3236989 (VCV003236989.1), dbSNP rs2542204589.